The following is an entry in ClinVar:

ClinVar aggregate classification (germline): Likely benign (1 of 4 stars; one submission).

Submission:

CeGaT Center for Human Genetics Tuebingen
Classification: Likely benign. Last evaluated: 2026-07-01. Review status: criteria provided, single submitter. Criteria: CeGaT Center For Human Genetics Tuebingen Variant Classification Criteria Version 2. Collection method: clinical testing. Allele origin: germline. Affected: yes. Observed: 1 variant allele.
Comment: MUC4: BP4, BP7

NM_018406.7(MUC4):c.7329A>C (p.Thr2443=)

Gene: MUC4 (mucin 4, cell surface associated). Cytogenetic location: 3q29.
Variant type: single nucleotide variant.
Coding change: c.7329A>C on transcript NM_018406.7 (MANE Select); coding-DNA position 7329, A replaced by C.
Protein change: p.Thr2443=; no amino-acid change (threonine 2443 retained).
Molecular consequence: synonymous variant. On other transcripts: intron variant (2).
Genome position (GRCh38, 1-based): chr3:195,784,251, T>G on the plus strand (A>C on the coding strand, the complement: MUC4 is on the minus strand). VCF-style: chr3-195784251-T-G. GRCh37 (hg19) VCF-style: chr3-195511122-T-G.
Other names: c.83-9946A>C (NM_138297.5); c.83-5796A>C (NM_004532.6).
Identifiers: ClinVar variation 5039330 (VCV005039330.1).